The following is an entry in ClinVar:

NM_000038.6(APC):c.4024T>G (p.Leu1342Val)

Gene: APC (APC regulator of Wnt signaling pathway; plus strand). Cytogenetic location: 5q22.2.
Variant type: single nucleotide variant.
Coding change: c.4024T>G on transcript NM_000038.6 (MANE Select); coding-DNA position 4024, T replaced by G.
Protein change: p.Leu1342Val; replaces leucine 1342 with valine.
Molecular consequence: missense variant. On other transcripts: non-coding transcript variant (2).
Genome position (GRCh38, 1-based): chr5:112,839,618, T>G. VCF-style: chr5-112839618-T-G. GRCh37 (hg19) VCF-style: chr5-112175315-T-G.
Other names: c.4024T>G, p.Leu1342Val (NM_001127510.3, NM_001354895.2, NM_001407450.1); c.3970T>G, p.Leu1324Val (NM_001127511.3); c.4078T>G, p.Leu1360Val (NM_001354896.2, NM_001407447.1, NM_001407448.1 and 1 more transcripts); c.4054T>G, p.Leu1352Val (NM_001354897.2); c.3949T>G, p.Leu1317Val (NM_001354898.2); c.3940T>G, p.Leu1314Val (NM_001354899.2); c.3901T>G, p.Leu1301Val (NM_001354900.2); c.3847T>G, p.Leu1283Val (NM_001354901.2, NM_001407453.1); and 11 more; short protein forms L1059V, L1370V, L1251V, L1301V, L1324V, L1360V, L958V, L1216V.
Identifiers: ClinVar variation 2586964 (VCV002586964.2), dbSNP rs2149904380, ClinGen allele CA16030152.

ClinVar aggregate classification (germline): Uncertain significance (1 of 4 stars; one submission).

Conditions:
Hereditary cancer-predisposing syndrome. Also called: Hereditary neoplastic syndrome; Tumor predisposition; Hereditary Cancer Syndrome; Neoplastic Syndromes, Hereditary. Identifiers: Orphanet 140162, MedGen C0027672, MeSH D009386, MONDO:0015356.

Submission:

Ambry Genetics
Classification: Uncertain significance for Hereditary cancer-predisposing syndrome. Last evaluated: 2023-06-20. Review status: criteria provided, single submitter. Criteria: Ambry Variant Classification Scheme 2023. Collection method: clinical testing. Allele origin: germline.
Comment: The p.L1342V variant (also known as c.4024T>G), located in coding exon 15 of the APC gene, results from a T to G substitution at nucleotide position 4024. The leucine at codon 1342 is replaced by valine, an amino acid with highly similar properties. This amino acid position is not well conserved in available vertebrate species. In addition, in silico predictors for this gene do not accurately predict pathogenicity. Since supporting evidence is limited at this time, the clinical significance of this alteration remains unclear.